The following is an entry in ClinVar:

ClinVar aggregate classification (germline): Uncertain significance (1 of 4 stars; one submission).

Conditions:
Fanconi anemia (FA). Also called: Fanconi's anemia. Identifiers: Orphanet 84, MedGen C0015625, MeSH D005199, MONDO:0019391.

Submission:

Labcorp Genetics (formerly Invitae), Labcorp
Classification: Uncertain significance for Fanconi anemia. Last evaluated: 2024-11-11. Review status: criteria provided, single submitter. Criteria: Invitae Variant Classification Sherloc (09022015). Collection method: clinical testing. Allele origin: germline.
Comment: This sequence change replaces valine, which is neutral and non-polar, with alanine, which is neutral and non-polar, at codon 397 of the FANCA protein (p.Val397Ala). This variant is not present in population databases (gnomAD no frequency). This variant has not been reported in the literature in individuals affected with FANCA-related conditions. Invitae Evidence Modeling of protein sequence and biophysical properties (such as structural, functional, and spatial information, amino acid conservation, physicochemical variation, residue mobility, and thermodynamic stability) indicates that this missense variant is not expected to disrupt FANCA protein function with a negative predictive value of 95%. In summary, the available evidence is currently insufficient to determine the role of this variant in disease. Therefore, it has been classified as a Variant of Uncertain Significance.

NM_000135.4(FANCA):c.1190T>C (p.Val397Ala)

Gene: FANCA (FA complementation group A; minus strand). Cytogenetic location: 16q24.3.
Variant type: single nucleotide variant.
Coding change: c.1190T>C on transcript NM_000135.4 (MANE Select); coding-DNA position 1190, T replaced by C.
Protein change: p.Val397Ala; replaces valine 397 with alanine.
Molecular consequence: missense variant.
Genome position (GRCh38, 1-based): chr16:89,791,962, A>G on the plus strand (T>C on the coding strand, the complement: FANCA is on the minus strand). VCF-style: chr16-89791962-A-G. GRCh37 (hg19) VCF-style: chr16-89858370-A-G.
Other names: c.1190T>C, p.Val397Ala (NM_001286167.3); short protein forms V397A.
Identifiers: ClinVar variation 3672612 (VCV003672612.2).